The following is an entry in ClinVar:

NM_001374259.2(IL12RB2):c.542T>C (p.Leu181Ser)

Gene: IL12RB2 (interleukin 12 receptor subunit beta 2; plus strand). Cytogenetic location: 1p31.3.
Variant type: single nucleotide variant.
Coding change: c.542T>C on transcript NM_001374259.2 (MANE Select); coding-DNA position 542, T replaced by C.
Protein change: p.Leu181Ser; replaces leucine 181 with serine.
Molecular consequence: missense variant. On other transcripts: non-coding transcript variant (2).
Genome position (GRCh38, 1-based): chr1:67,328,262, T>C. VCF-style: chr1-67328262-T-C. GRCh37 (hg19) VCF-style: chr1-67793945-T-C.
Other names: c.542T>C (NM_001559.2); c.542T>C, p.Leu181Ser (NM_001258214.1, NM_001258215.1, NM_001258216.1 and 2 more transcripts); short protein forms L181S.
Identifiers: ClinVar variation 3607844 (VCV003607844.3).

ClinVar aggregate classification (germline): Uncertain significance. Review status: criteria provided, multiple submitters, no conflicts (2 of 4 stars). 2 submissions from 2 submitters: Uncertain significance (2). Last evaluated 2025-12-01.

gnomAD v4.1: 9 of 1,614,104 alleles (0.00056%); highest among the groups gnomAD compares: African/African-American, 0.011%; no homozygotes.

Submissions (2):

Labcorp Genetics (formerly Invitae), Labcorp
Classification: Uncertain significance. Last evaluated: 2025-12-01. Review status: criteria provided, single submitter. Criteria: Invitae Variant Classification Sherloc (09022015). Collection method: clinical testing. Allele origin: germline.
Comment: This sequence change replaces leucine, which is neutral and non-polar, with serine, which is neutral and polar, at codon 181 of the IL12RB2 protein (p.Leu181Ser). This variant is present in population databases (rs373550855, gnomAD 0.02%). This variant has not been reported in the literature in individuals affected with IL12RB2-related conditions. ClinVar contains an entry for this variant (Variation ID: 3607844). An algorithm developed to predict the effect of missense changes on protein structure and function (PolyPhen-2) suggests that this variant is likely to be tolerated. In summary, the available evidence is currently insufficient to determine the role of this variant in disease. Therefore, it has been classified as a Variant of Uncertain Significance.

Ambry Genetics
Classification: Uncertain significance. Last evaluated: 2025-02-11. Review status: criteria provided, single submitter. Criteria: Ambry Variant Classification Scheme 2023. Collection method: clinical testing. Allele origin: germline.